The following is an entry in ClinVar:

ClinVar aggregate classification (germline): Uncertain significance (1 of 4 stars; one submission).

Conditions:
Hereditary cancer-predisposing syndrome. Also called: Tumor predisposition; Hereditary neoplastic syndrome; Hereditary Cancer Syndrome; Neoplastic Syndromes, Hereditary. Identifiers: Orphanet 140162, MedGen C0027672, MeSH D009386, MONDO:0015356.

Submission:

Ambry Genetics
Classification: Uncertain significance for Hereditary cancer-predisposing syndrome. Last evaluated: 2025-04-18. Review status: criteria provided, single submitter. Criteria: Ambry Variant Classification Scheme 2023. Collection method: clinical testing. Allele origin: germline.
Comment: The p.P1315T variant (also known as c.3943C>A), located in coding exon 23 of the PTCH1 gene, results from a C to A substitution at nucleotide position 3943. The proline at codon 1315 is replaced by threonine, an amino acid with highly similar properties. This amino acid position is highly conserved in available vertebrate species. In addition, the in silico prediction for this alteration is inconclusive. Based on the available evidence, the clinical significance of this variant remains unclear.

NM_000264.5(PTCH1):c.3943C>A (p.Pro1315Thr)

Gene: PTCH1 (patched 1; minus strand). Cytogenetic location: 9q22.32.
Variant type: single nucleotide variant.
Coding change: c.3943C>A on transcript NM_000264.5 (MANE Select); coding-DNA position 3943, C replaced by A.
Protein change: p.Pro1315Thr; replaces proline 1315 with threonine.
Molecular consequence: missense variant. On other transcripts: non-coding transcript variant (1).
Genome position (GRCh38, 1-based): chr9:95,447,313, G>T on the plus strand (C>A on the coding strand, the complement: PTCH1 is on the minus strand). VCF-style: chr9-95447313-G-T. GRCh37 (hg19) VCF-style: chr9-98209595-G-T.
Other names: c.3745C>A, p.Pro1249Thr (NM_001083602.3); c.3940C>A, p.Pro1314Thr (NM_001083603.3); c.3490C>A, p.Pro1164Thr (NM_001083604.3, NM_001083605.3, NM_001083606.3 and 1 more transcripts); c.3787C>A, p.Pro1263Thr (NM_001354918.2); short protein forms P1249T, P1164T, P1263T, P1315T, P1314T.
Identifiers: ClinVar variation 3939917 (VCV003939917.1).